The following is an entry in ClinVar:

ClinVar aggregate classification (germline): Uncertain significance (1 of 4 stars; one submission).

Conditions:
Netherton syndrome (NETH). Also called: NETHERTON DISEASE; ERYTHRODERMA, ICHTHYOSIFORM, WITH HYPOTRICHOSIS AND HYPER-IgE; COMEL-NETHERTON SYNDROME. Identifiers: Orphanet 634, MedGen C5574950, MONDO:0009735, OMIM 256500.

Allele frequency attached by ClinVar (database versions not stated): TOPMed 0.00002.
gnomAD v4.1: 2 of 1,614,072 alleles (0.00012%); highest among the groups gnomAD compares: Non-Finnish European, 0.00017%; no homozygotes.

Submission:

Labcorp Genetics (formerly Invitae), Labcorp
Classification: Uncertain significance for Ichthyosis linearis circumflexa. Last evaluated: 2022-05-29. Review status: criteria provided, single submitter. Criteria: Invitae Variant Classification Sherloc (09022015). Collection method: clinical testing. Allele origin: germline.
Comment: This sequence change replaces glycine, which is neutral and non-polar, with valine, which is neutral and non-polar, at codon 797 of the SPINK5 protein (p.Gly797Val). This variant is not present in population databases (gnomAD no frequency). This variant has not been reported in the literature in individuals affected with SPINK5-related conditions. ClinVar contains an entry for this variant (Variation ID: 959276). Algorithms developed to predict the effect of missense changes on protein structure and function are either unavailable or do not agree on the potential impact of this missense change (SIFT: "Deleterious"; PolyPhen-2: "Probably Damaging"; Align-GVGD: "Class C0"). In summary, the available evidence is currently insufficient to determine the role of this variant in disease. Therefore, it has been classified as a Variant of Uncertain Significance.

NM_006846.4(SPINK5):c.2390G>T (p.Gly797Val)

Gene: SPINK5 (serine peptidase inhibitor Kazal type 5; plus strand). Cytogenetic location: 5q32.
Variant type: single nucleotide variant.
Coding change: c.2390G>T on transcript NM_006846.4 (MANE Select); coding-DNA position 2390, G replaced by T.
Protein change: p.Gly797Val; replaces glycine 797 with valine.
Molecular consequence: missense variant.
Genome position (GRCh38, 1-based): chr5:148,120,085, G>T. VCF-style: chr5-148120085-G-T. GRCh37 (hg19) VCF-style: chr5-147499648-G-T.
Other names: c.2390G>T, p.Gly797Val (NM_001127698.2, NM_001127699.2); short protein forms G797V.
Identifiers: ClinVar variation 959276 (VCV000959276.5), dbSNP rs1170375768, ClinGen allele CA361646321.